The following is an entry in ClinVar:

ClinVar aggregate classification (germline): Likely benign (1 of 4 stars; one submission).

Allele frequency attached by ClinVar (database versions not stated): 1000 Genomes Project 0.00020; 1000 Genomes Project 30x 0.00031; ExAC 0.00032; gnomAD 0.00049; TOPMed 0.00055; gnomAD exomes 0.00113.
gnomAD v4.1: 1,613 of 1,549,016 alleles (0.1%); highest among the groups gnomAD compares: Non-Finnish European, 0.14%; no homozygotes.

Submission:

CeGaT Center for Human Genetics Tuebingen
Classification: Likely benign. Last evaluated: 2026-07-01. Review status: criteria provided, single submitter. Criteria: CeGaT Center For Human Genetics Tuebingen Variant Classification Criteria Version 2. Collection method: clinical testing. Allele origin: germline. Affected: yes. Observed: 3 variant alleles.
Comment: FAM149B1: BP4, BP7

NM_173348.2(FAM149B1):c.621C>T (p.Ser207=)

Gene: FAM149B1 (family with sequence similarity 149 member B1; plus strand). Cytogenetic location: 10q22.2.
Variant type: single nucleotide variant.
Coding change: c.621C>T on transcript NM_173348.2 (MANE Select); coding-DNA position 621, C replaced by T.
Protein change: p.Ser207=; no amino-acid change (serine 207 retained).
Molecular consequence: synonymous variant.
Genome position (GRCh38, 1-based): chr10:73,208,697, C>T. VCF-style: chr10-73208697-C-T. GRCh37 (hg19) VCF-style: chr10-74968455-C-T.
Identifiers: ClinVar variation 2640585 (VCV002640585.24), dbSNP rs78991310, ClinGen allele CA5552862.